The following is an entry in ClinVar:

ClinVar aggregate classification (germline): Pathogenic (0 of 4 stars; one submission).

Conditions:
Carcinoma of colon (CRC). Also called: Colon carcinoma; Colonic carcinoma. Identifiers: MedGen C0699790, MONDO:0002032.

Submission:

Department of Pathology and Laboratory Medicine, Sinai Health System
Classification: Pathogenic for Carcinoma of colon. Review status: no assertion criteria provided. Collection method: clinical testing. Allele origin: unknown. Affected: yes. Study: The Canadian Open Genetics Repository (COGR).
Comment: The MSH6 p.Leu773Argfsx3 variant was not identified in the literature nor was it identified in the in dbSNP, NHLBI GO Exome Sequencing Project, Exome Aggregation Consortium (August 8, 2016), ClinVar, Clinvitae, COSMIC, â€šÃ„ÃºMismatch Repair Genes Variantâ€šÃ„Ã¹, â€šÃ„ÃºMMR Gene Unclassified Variantsâ€šÃ„Ã¹, InSiGHT Colon Cancer Gene Variant (LOVD), Zhejiang Colon Cancer (LOVD), GeneInsight â€šÃ„Ã¬ COGR and UMD databases. The c.2316_2317dup variant is predicted to cause a frameshift, which alters the protein's amino acid sequence beginning at codon 773 and leads to a premature stop codon 3 codons downstream. This alteration is then predicted to result in a truncated or absent protein and loss of function. Loss of function variants of the MSH6 gene are an established mechanism of disease in Lynch syndrome and this is the type of variant expected to cause the disorder. In summary, based on the above information, this variant meets our laboratoryâ€šÃ„Ã´s criteria to be classified as pathogenic.

NM_000179.3(MSH6):c.2316_2317dup (p.Leu773fs)

Gene: MSH6 (mutS homolog 6; plus strand). Cytogenetic location: 2p16.3.
Variant type: Duplication.
Coding change: c.2316_2317dup on transcript NM_000179.3 (MANE Select); coding-DNA positions 2316 to 2317, 2 bases duplicated (GC; older notation c.2316_2317dupGC).
Protein change: p.Leu773fs; shifts the reading frame from leucine 773.
Molecular consequence: frameshift variant.
Genome position (GRCh38, 1-based): chr2:47,800,299-47,800,300, GC duplicated. VCF-style (leftmost placement, unchanged base first): chr2-47800298-G-GGC. GRCh37 (hg19) VCF-style: chr2-48027437-G-GGC.
Other names: c.2316_2317dupGC (NM_000179.2); c.1926_1927dup, p.Leu643fs (NM_001281492.2); c.1410_1411dup, p.Leu471fs (NM_001281493.2, NM_001281494.2); short protein forms L643fs, L471fs, L773fs.
Identifiers: ClinVar variation 433913 (VCV000433913.2), dbSNP rs1553413693, ClinGen allele CA645372552.